The following is an entry in ClinVar:

NM_004415.4(DSP):c.4451A>G (p.Glu1484Gly)

Gene: DSP (desmoplakin; plus strand). Cytogenetic location: 6p24.3.
Variant type: single nucleotide variant.
Coding change: c.4451A>G on transcript NM_004415.4 (MANE Select); coding-DNA position 4451, A replaced by G.
Protein change: p.Glu1484Gly; replaces glutamic acid 1484 with glycine.
Molecular consequence: missense variant. On other transcripts: intron variant (2).
Genome position (GRCh38, 1-based): chr6:7,580,641, A>G. VCF-style: chr6-7580641-A-G. GRCh37 (hg19) VCF-style: chr6-7580874-A-G.
Other names: c.4050+401A>G (NM_001319034.2); c.3582+869A>G (NM_001008844.3); short protein forms E1484G.
Identifiers: ClinVar variation 2002180 (VCV002002180.5), dbSNP rs2533928746, ClinGen allele CA362686343.

ClinVar aggregate classification (germline): Uncertain significance. Review status: criteria provided, multiple submitters, no conflicts (2 of 4 stars). 2 submissions from 2 submitters: Uncertain significance (2). Last evaluated 2026-03-06.

Conditions:
Arrhythmogenic cardiomyopathy with wooly hair and keratoderma. Also called: Dilated cardiomyopathy with woolly hair and keratoderma; PALMOPLANTAR KERATODERMA WITH LEFT VENTRICULAR CARDIOMYOPATHY AND WOOLLY HAIR; Arrhythmogenic cardiomyopathy with woolly hair and keratoderma; Carvajal syndrome. Identifiers: Orphanet 65282, MedGen C1854063, MONDO:0011581, OMIM 605676.
Arrhythmogenic right ventricular dysplasia 8 (ARVD8). Also called: Arrhythmogenic Right Ventricular Dysplasia/Cardiomyopathy 8; ARRHYTHMOGENIC RIGHT VENTRICULAR DYSPLASIA, FAMILIAL, 8; ARRHYTHMOGENIC RIGHT VENTRICULAR CARDIOMYOPATHY 8. Identifiers: MedGen C1843896, MONDO:0011831, OMIM 607450.

Submissions (2):

GeneDx
Classification: Uncertain significance. Last evaluated: 2026-03-06. Review status: criteria provided, single submitter. Criteria: GeneDx Variant Classification Process June 2021. Collection method: clinical testing. Allele origin: germline.
Comment: Not observed at significant frequency in large population cohorts (gnomAD); In silico analysis supports that this missense variant has a deleterious effect on protein structure/function; Has not been previously published as pathogenic or benign to our knowledge

Labcorp Genetics (formerly Invitae), Labcorp
Classification: Uncertain significance for Arrhythmogenic cardiomyopathy with wooly hair and keratoderma; Arrhythmogenic right ventricular dysplasia 8. Last evaluated: 2022-06-03. Review status: criteria provided, single submitter. Criteria: Invitae Variant Classification Sherloc (09022015). Collection method: clinical testing. Allele origin: germline.
Comment: In summary, the available evidence is currently insufficient to determine the role of this variant in disease. Therefore, it has been classified as a Variant of Uncertain Significance. Algorithms developed to predict the effect of missense changes on protein structure and function are either unavailable or do not agree on the potential impact of this missense change (SIFT: "Deleterious"; PolyPhen-2: "Benign"; Align-GVGD: "Class C0"). This variant has not been reported in the literature in individuals affected with DSP-related conditions. This variant is not present in population databases (gnomAD no frequency). This sequence change replaces glutamic acid, which is acidic and polar, with glycine, which is neutral and non-polar, at codon 1484 of the DSP protein (p.Glu1484Gly).